The following is an entry in ClinVar:

ClinVar aggregate classification (germline): Uncertain significance. Review status: criteria provided, multiple submitters, no conflicts (2 of 4 stars). 3 submissions from 3 submitters: Uncertain significance (3). Last evaluated 2022-05-25.

Conditions:
Intellectual developmental disorder, X-linked 30. Also called: MENTAL RETARDATION, X-LINKED 47; Intellectual disability, X-linked 30. Identifiers: Orphanet 777, MedGen C0796237, MONDO:0010361, OMIM 300558.
Intellectual disability. Also called: Intellectual functioning disability; intellectual disabilities; Intellectual developmental disorder. Identifiers: MedGen C3714756, MeSH D008607, MONDO:0001071, HP:0001249.

Allele frequency attached by ClinVar (database versions not stated): TOPMed 0.00001.
gnomAD v4.1: 3 of 1,156,362 alleles (0.00026%); highest among the groups gnomAD compares: Non-Finnish European, 0.00035%; no homozygotes.

Submissions (3):

Revvity Omics, Revvity
Classification: Uncertain significance for Intellectual developmental disorder, X-linked 30. Last evaluated: 2022-05-25. Review status: criteria provided, single submitter. Criteria: ACMG Guidelines, 2015. Collection method: clinical testing. Allele origin: germline.

Victorian Clinical Genetics Services, Murdoch Childrens Research Institute
Classification: Uncertain significance for Intellectual developmental disorder, X-linked 30. Last evaluated: 2022-02-02. Review status: criteria provided, single submitter. Criteria: ACMG Guidelines, 2015. Collection method: clinical testing. Allele origin: germline. Inheritance: X-linked recessive inheritance. Affected: yes.
Comment: Based on the classification scheme VCGS_Germline_v1.3.4, this variant is classified as VUS-3A. Following criteria are met: 0102 - Loss of function is a known mechanism of disease in this gene and is associated with PAK3-related neurodevelopmental disorder (MIM#300558). However, it was noted that variants leading to a more severe phenotype demonstrated increased protein stability, making dominant-negative a likely mechanism of disease (PMID: 31843706). (I) 0109 - This gene is associated with X-linked recessive disease. However, a few affected females have been reported (PMID: 32050918). (I) 0115 - Variants in this gene are known to have variable expressivity. Affected individuals have been described to have mild to severe intellectual disability, with or without brain anomalies (PMID: 31843706). (I) 0200 - Variant is predicted to result in a missense amino acid change from glycine to aspartic acid. (I) 0253 - This variant is hemizygous. (I) 0301 - Variant is absent from gnomAD (both v2 and v3). (SP) 0309 - An alternative amino acid change at the same position has been observed in gnomAD (v2: 1 heterozygote, 0 homozygotes, 0 hemizygotes). (I) 0502 - Missense variant with conflicting in silico predictions and uninformative conservation. (I) 0603 - Missense variant in a region that is highly intolerant to missense variation (high constraint region in DECIPHER). (SP) 0705 - No comparable missense variants have previous evidence for pathogenicity. (I) 0807 - This variant has no previous evidence of pathogenicity. (I) 0905 - No published segregation evidence has been identified for this variant. (I) 1007 - No published functional evidence has been identified for this variant. (I) Legend: (SP) - Supporting pathogenic, (I) - Information, (SB) - Supporting benign

Cambridge Genomics Laboratory, East Genomic Laboratory Hub, NHS Genomic Medicine Service
Classification: Uncertain significance for Intellectual disability. Last evaluated: 2019-07-31. Review status: criteria provided, single submitter. Criteria: ACGS Best Practice Guidelines for Variant Classification in Rare Disease 2020. Collection method: clinical testing. Allele origin: germline. Affected: yes. Observed: 1 variant allele.

Literature cited by the submitters: PubMed 31843706 (cited by Victorian Clinical Genetics Services, Murdoch Childrens Research Institute); PubMed 32050918 (cited by Victorian Clinical Genetics Services, Murdoch Childrens Research Institute).

NM_002578.5(PAK3):c.1004G>A (p.Gly335Asp)

Gene: PAK3 (p21 (RAC1) activated kinase 3; plus strand). Cytogenetic location: Xq23.
Variant type: single nucleotide variant.
Coding change: c.1004G>A on transcript NM_002578.5 (MANE Select); coding-DNA position 1004, G replaced by A.
Protein change: p.Gly335Asp; replaces glycine 335 with aspartic acid.
Molecular consequence: missense variant. On other transcripts: non-coding transcript variant (2).
Genome position (GRCh38, 1-based): chrX:111,194,312, G>A. VCF-style: chrX-111194312-G-A. GRCh37 (hg19) VCF-style: chrX-110437540-G-A.
Other names: c.1049G>A, p.Gly350Asp (NM_001324329.2, NM_001324333.2, NM_001128173.3 and 2 more transcripts); c.1004G>A, p.Gly335Asp (NM_001324330.2, NM_001324331.2, NM_001324332.2 and 5 more transcripts); c.1112G>A, p.Gly371Asp (NM_001128168.3); c.1067G>A, p.Gly356Asp (NM_001128172.2); short protein forms G335D, G350D, G356D, G371D.
Identifiers: ClinVar variation 1699201 (VCV001699201.7), dbSNP rs1249190198, ClinGen allele CA414237915.